The following is an entry in ClinVar:

ClinVar aggregate classification (germline): Uncertain significance (1 of 4 stars; one submission).

Conditions:
Norman-Roberts syndrome (LIS2). Also called: Lissencephaly 2 (Norman-Roberts type). Identifiers: Orphanet 89844, MedGen C0796089, MONDO:0009760, OMIM 257320.
Familial temporal lobe epilepsy 7. Identifiers: Orphanet 101046, MedGen C4225327, MONDO:0014639, OMIM 616436.

gnomAD v4.1: 3 of 1,614,004 alleles (0.00019%); highest among the groups gnomAD compares: Non-Finnish European, 0.00025%; no homozygotes.

Submission:

Labcorp Genetics (formerly Invitae), Labcorp
Classification: Uncertain significance for Familial temporal lobe epilepsy 7; Norman-Roberts syndrome. Last evaluated: 2025-05-17. Review status: criteria provided, single submitter. Criteria: Invitae Variant Classification Sherloc (09022015). Collection method: clinical testing. Allele origin: germline.
Comment: This sequence change replaces cysteine, which is neutral and slightly polar, with tyrosine, which is neutral and polar, at codon 2234 of the RELN protein (p.Cys2234Tyr). This variant is not present in population databases (gnomAD no frequency). This variant has not been reported in the literature in individuals affected with RELN-related conditions. Invitae Evidence Modeling of protein sequence and biophysical properties (such as structural, functional, and spatial information, amino acid conservation, physicochemical variation, residue mobility, and thermodynamic stability) indicates that this missense variant is not expected to disrupt RELN protein function with a negative predictive value of 80%. In summary, the available evidence is currently insufficient to determine the role of this variant in disease. Therefore, it has been classified as a Variant of Uncertain Significance.

NM_005045.4(RELN):c.6701G>A (p.Cys2234Tyr)

Gene: RELN (reelin; minus strand). Cytogenetic location: 7q22.1.
Variant type: single nucleotide variant.
Coding change: c.6701G>A on transcript NM_005045.4 (MANE Select); coding-DNA position 6701, G replaced by A.
Protein change: p.Cys2234Tyr; replaces cysteine 2234 with tyrosine.
Molecular consequence: missense variant.
Genome position (GRCh38, 1-based): chr7:103,540,426, C>T on the plus strand (G>A on the coding strand, the complement: RELN is on the minus strand). VCF-style: chr7-103540426-C-T. GRCh37 (hg19) VCF-style: chr7-103180873-C-T.
Other names: c.6701G>A, p.Cys2234Tyr (NM_173054.3); short protein forms C2234Y.
Identifiers: ClinVar variation 4782847 (VCV004782847.1).